The following is an entry in ClinVar:

ClinVar aggregate classification (germline): Pathogenic (1 of 4 stars; one submission).

Conditions:
Inborn genetic diseases. Identifiers: MedGen C0950123, MeSH D030342.

Submission:

Ambry Genetics
Classification: Pathogenic for Inborn genetic diseases. Last evaluated: 2026-03-30. Review status: criteria provided, single submitter. Criteria: Ambry Variant Classification Scheme 2023. Collection method: clinical testing. Allele origin: germline.
Comment: The c.2605dupG (p.A869Gfs*199) alteration, located in exon 19 (coding exon 19) of the CACNA1A gene, consists of a duplication of G at position 2605, causing a translational frameshift with a predicted alternate stop codon after 199 amino acids. This variant is expected to result in loss of function by premature protein truncation or nonsense-mediated mRNA decay. for CACNA1A-related neurologic disorder; however, it is unlikely to be causative of CACNA1A-related spinocerebellar ataxia This variant was not reported in population-based cohorts in the Genome Aggregation Database (gnomAD). Based on the available evidence, this alteration is classified as pathogenic.

NM_001127222.2(CACNA1A):c.2602dup (p.Ala868fs)

Gene: CACNA1A (calcium voltage-gated channel subunit alpha1 A; minus strand). Cytogenetic location: 19p13.13.
Variant type: Duplication.
Coding change: c.2602dup on transcript NM_001127222.2 (MANE Select); coding-DNA position 2602, one base duplicated (G; older notation c.2602dupG).
Protein change: p.Ala868fs; shifts the reading frame from alanine 868.
Molecular consequence: frameshift variant.
Genome position (GRCh38, 1-based): chr19:13,299,031, C duplicated on the plus strand (G on the coding strand, the reverse complement: CACNA1A is on the minus strand); the first of 3 consecutive C bases (chr19:13,299,031-13,299,033); duplicating any one gives the same sequence. VCF-style (leftmost placement, unchanged base first): chr19-13299030-G-GC. GRCh37 (hg19) VCF-style: chr19-13409844-G-GC.
Other names: c.2614dup, p.Ala872fs (NM_000068.4, NM_023035.3); c.2605dup, p.Ala869fs (NM_001127221.2, NM_001174080.2); c.2605dupG (NM_001127221.1); short protein forms A868fs, A869fs, A872fs.
Identifiers: ClinVar variation 4868044 (VCV004868044.1).